The following is an entry in ClinVar:

ClinVar aggregate classification (germline): Uncertain significance (1 of 4 stars; one submission).

Submission:

GeneDx
Classification: Uncertain significance. Last evaluated: 2024-07-26. Review status: criteria provided, single submitter. Criteria: GeneDx Variant Classification Process June 2021. Collection method: clinical testing. Allele origin: germline. Affected: yes.
Comment: Not observed at significant frequency in large population cohorts (gnomAD); In silico analysis supports that this missense variant has a deleterious effect on protein structure/function; Has not been previously published as pathogenic or benign to our knowledge

NM_000334.4(SCN4A):c.790T>C (p.Phe264Leu)

Gene: SCN4A (sodium voltage-gated channel alpha subunit 4; minus strand). Cytogenetic location: 17q23.3.
Variant type: single nucleotide variant.
Coding change: c.790T>C on transcript NM_000334.4 (MANE Select); coding-DNA position 790, T replaced by C.
Protein change: p.Phe264Leu; replaces phenylalanine 264 with leucine.
Molecular consequence: missense variant.
Genome position (GRCh38, 1-based): chr17:63,968,269, A>G on the plus strand (T>C on the coding strand, the complement: SCN4A is on the minus strand). VCF-style: chr17-63968269-A-G. GRCh37 (hg19) VCF-style: chr17-62045629-A-G.
Other names: short protein forms F264L.
Identifiers: ClinVar variation 3600597 (VCV003600597.1).